The following is an entry in ClinVar:

ClinVar aggregate classification (germline): Uncertain significance (0 of 4 stars; one submission).

Conditions:
ALMS1-related disorder. Also called: ALMS1-related condition.

Submission:

PreventionGenetics, part of Exact Sciences
Classification: Uncertain significance for ALMS1-related condition. Last evaluated: 2024-08-20. Review status: no assertion criteria provided. Collection method: clinical testing. Allele origin: germline.
Comment: The ALMS1 c.4571A>C variant is predicted to result in the amino acid substitution p.Gln1524Pro. To our knowledge, this variant has not been reported in the literature. This variant is reported in 0.0065% of alleles in individuals of African descent in gnomAD. At this time, the clinical significance of this variant is uncertain due to the absence of conclusive functional and genetic evidence.

NM_001378454.1(ALMS1):c.4568A>C (p.Tyr1523Ser)

Gene: ALMS1 (ALMS1 centrosome and basal body associated protein; plus strand). Cytogenetic location: 2p13.1.
Variant type: single nucleotide variant.
Coding change: c.4568A>C on transcript NM_001378454.1 (MANE Select); coding-DNA position 4568, A replaced by C.
Protein change: p.Tyr1523Ser; replaces tyrosine 1523 with serine.
Molecular consequence: missense variant.
Genome position (GRCh38, 1-based): chr2:73,451,095, A>C. VCF-style: chr2-73451095-A-C. GRCh37 (hg19) VCF-style: chr2-73678222-A-C.
Other names: c.4571A>C, p.Tyr1524Ser (NM_015120.4); short protein forms Y1523S, Y1524S.
Identifiers: ClinVar variation 3358760 (VCV003358760.1).